The following is an entry in ClinVar:

NM_014014.5(SNRNP200):c.5610+6G>A

Gene: SNRNP200 (small nuclear ribonucleoprotein U5 subunit 200; minus strand). Cytogenetic location: 2q11.2.
Variant type: single nucleotide variant.
Coding change: c.5610+6G>A on transcript NM_014014.5 (MANE Select); 6 bases into the intron after coding-DNA position 5610, G replaced by A.
Molecular consequence: intron variant.
Genome position (GRCh38, 1-based): chr2:96,278,231, C>T on the plus strand (G>A on the coding strand, the complement: SNRNP200 is on the minus strand). VCF-style: chr2-96278231-C-T. GRCh37 (hg19) VCF-style: chr2-96943969-C-T.
Identifiers: ClinVar variation 2121933 (VCV002121933.4), dbSNP rs376758492, ClinGen allele CA1777937.
Genomic context (GRCh38, chr2:96,278,231, plus strand): 5'-GTGCTCTGGGCACACAGGCCGAGTTTGTTGTTCCCAGGATGCTCTCCTGAAGTCTGCTGT[C>T]CTCACCTGCCTCAGGAGATTGTCTTCATGGTGCCGGATGGGAATGTTCTCATACTCTGCT-3'

ClinVar aggregate classification (germline): Uncertain significance (1 of 4 stars; one submission).

Allele frequency attached by ClinVar (database versions not stated): ExAC 0.00001; gnomAD 0.00001; TOPMed 0.00002; gnomAD exomes 0.00006; ESP Exome Variant Server 0.00008.
gnomAD v4.1: 90 of 1,614,090 alleles (0.0056%); highest among the groups gnomAD compares: Non-Finnish European, 0.0073%; no homozygotes.

Submission:

Labcorp Genetics (formerly Invitae), Labcorp
Classification: Uncertain significance. Last evaluated: 2024-02-17. Review status: criteria provided, single submitter. Criteria: Invitae Variant Classification Sherloc (09022015). Collection method: clinical testing. Allele origin: germline.
Comment: This sequence change falls in intron 39 of the SNRNP200 gene. It does not directly change the encoded amino acid sequence of the SNRNP200 protein. It affects a nucleotide within the consensus splice site. This variant is present in population databases (rs376758492, gnomAD 0.005%). This variant has not been reported in the literature in individuals affected with SNRNP200-related conditions. ClinVar contains an entry for this variant (Variation ID: 2121933). Variants that disrupt the consensus splice site are a relatively common cause of aberrant splicing (PMID: 17576681, 9536098). Algorithms developed to predict the effect of sequence changes on RNA splicing suggest that this variant is not likely to affect RNA splicing. In summary, the available evidence is currently insufficient to determine the role of this variant in disease. Therefore, it has been classified as a Variant of Uncertain Significance.

Literature cited by the submitters: PubMed 17576681; PubMed 9536098.